The following is an entry in ClinVar:

NM_144670.6(A2ML1):c.2180C>T (p.Ser727Phe)

Gene: A2ML1 (alpha-2-macroglobulin like 1; plus strand). Cytogenetic location: 12p13.31.
Variant type: single nucleotide variant.
Coding change: c.2180C>T on transcript NM_144670.6 (MANE Select); coding-DNA position 2180, C replaced by T.
Protein change: p.Ser727Phe; replaces serine 727 with phenylalanine.
Molecular consequence: missense variant.
Genome position (GRCh38, 1-based): chr12:8,850,220, C>T. VCF-style: chr12-8850220-C-T. GRCh37 (hg19) VCF-style: chr12-9002816-C-T.
Other names: c.707C>T, p.Ser236Phe (NM_001282424.3); short protein forms S727F, S236F.
Identifiers: ClinVar variation 2744018 (VCV002744018.3), dbSNP rs1171419424, ClinGen allele CA383832243.

ClinVar aggregate classification (germline): Uncertain significance (1 of 4 stars; one submission).

Allele frequency attached by ClinVar (database versions not stated): gnomAD exomes below 0.00001.
gnomAD v4.1: 9 of 1,613,510 alleles (0.00056%); highest among the groups gnomAD compares: Non-Finnish European, 0.00051%; no homozygotes.

Submission:

Labcorp Genetics (formerly Invitae), Labcorp
Classification: Uncertain significance. Last evaluated: 2023-04-12. Review status: criteria provided, single submitter. Criteria: Invitae Variant Classification Sherloc (09022015). Collection method: clinical testing. Allele origin: germline.
Comment: This sequence change replaces serine, which is neutral and polar, with phenylalanine, which is neutral and non-polar, at codon 727 of the A2ML1 protein (p.Ser727Phe). This variant is present in population databases (no rsID available, gnomAD 0.0009%). In summary, the available evidence is currently insufficient to determine the role of this variant in disease. Therefore, it has been classified as a Variant of Uncertain Significance. An algorithm developed to predict the effect of missense changes on protein structure and function (PolyPhen-2) suggests that this variant is likely to be disruptive. This variant has not been reported in the literature in individuals affected with A2ML1-related conditions.